The following is an entry in ClinVar:

NM_000038.6(APC):c.2523A>C (p.Leu841Phe)

Gene: APC (APC regulator of Wnt signaling pathway; plus strand). Cytogenetic location: 5q22.2.
Variant type: single nucleotide variant.
Coding change: c.2523A>C on transcript NM_000038.6 (MANE Select); coding-DNA position 2523, A replaced by C.
Protein change: p.Leu841Phe; replaces leucine 841 with phenylalanine.
Molecular consequence: missense variant.
Genome position (GRCh38, 1-based): chr5:112,838,117, A>C. VCF-style: chr5-112838117-A-C. GRCh37 (hg19) VCF-style: chr5-112173814-A-C.
Other names: c.2523A>C, p.Leu841Phe (NM_001127510.3, NM_001354895.2); c.2469A>C, p.Leu823Phe (NM_001127511.3); c.2577A>C, p.Leu859Phe (NM_001354896.2); c.2553A>C, p.Leu851Phe (NM_001354897.2); c.2448A>C, p.Leu816Phe (NM_001354898.2); c.2439A>C, p.Leu813Phe (NM_001354899.2); c.2400A>C, p.Leu800Phe (NM_001354900.2); c.2346A>C, p.Leu782Phe (NM_001354901.2); and 5 more; short protein forms L841F, L823F, L816F, L851F, L740F, L859F, L558F, L800F.
Identifiers: ClinVar variation 482479 (VCV000482479.10), dbSNP rs1554084238, ClinGen allele CA16026858.

ClinVar aggregate classification (germline): Uncertain significance. Review status: criteria provided, multiple submitters, no conflicts (2 of 4 stars). 2 submissions from 2 submitters: Uncertain significance (2). Last evaluated 2025-02-02.

Conditions:
Hereditary cancer-predisposing syndrome. Also called: Neoplastic Syndromes, Hereditary; Tumor predisposition; Hereditary Cancer Syndrome; Hereditary neoplastic syndrome. Identifiers: Orphanet 140162, MedGen C0027672, MeSH D009386, MONDO:0015356.
Familial adenomatous polyposis 1 (FAP1). Also called: FAMILIAL ADENOMATOUS POLYPOSIS 1, ATTENUATED; POLYPOSIS, ADENOMATOUS INTESTINAL. Identifiers: MedGen C2713442, MONDO:0021056, OMIM 175100. Disease mechanism: loss of function.

Submissions (2):

Labcorp Genetics (formerly Invitae), Labcorp
Classification: Uncertain significance for Familial adenomatous polyposis 1. Last evaluated: 2025-02-02. Review status: criteria provided, single submitter. Criteria: Invitae Variant Classification Sherloc (09022015). Collection method: clinical testing. Allele origin: germline.
Comment: This sequence change replaces leucine, which is neutral and non-polar, with phenylalanine, which is neutral and non-polar, at codon 841 of the APC protein (p.Leu841Phe). This variant is not present in population databases (gnomAD no frequency). This variant has not been reported in the literature in individuals affected with APC-related conditions. ClinVar contains an entry for this variant (Variation ID: 482479). Invitae Evidence Modeling of protein sequence and biophysical properties (such as structural, functional, and spatial information, amino acid conservation, physicochemical variation, residue mobility, and thermodynamic stability) indicates that this missense variant is not expected to disrupt APC protein function with a negative predictive value of 95%. In summary, the available evidence is currently insufficient to determine the role of this variant in disease. Therefore, it has been classified as a Variant of Uncertain Significance.

Ambry Genetics
Classification: Uncertain significance for Hereditary cancer-predisposing syndrome. Last evaluated: 2017-05-22. Review status: criteria provided, single submitter. Criteria: Ambry Variant Classification Scheme 2023. Collection method: clinical testing. Allele origin: germline.
Comment: The p.L841F variant (also known as c.2523A>C), located in coding exon 15 of the APC gene, results from an A to C substitution at nucleotide position 2523. The leucine at codon 841 is replaced by phenylalanine, an amino acid with highly similar properties. This amino acid position is well conserved in available vertebrate species. In addition, in silico predictors for this gene do not accurately predict pathogenicity. Since supporting evidence is limited at this time, the clinical significance of this alteration remains unclear.